The following is an entry in ClinVar:

NM_000372.5(TYR):c.505G>A (p.Asp169Asn)

Gene: TYR (tyrosinase; plus strand). Cytogenetic location: 11q14.3.
Variant type: single nucleotide variant.
Coding change: c.505G>A on transcript NM_000372.5 (MANE Select); coding-DNA position 505, G replaced by A.
Protein change: p.Asp169Asn; replaces aspartic acid 169 with asparagine.
Molecular consequence: missense variant.
Genome position (GRCh38, 1-based): chr11:89,178,458, G>A. VCF-style: chr11-89178458-G-A. GRCh37 (hg19) VCF-style: chr11-88911626-G-A.
Other names: c.505G>A (NM_000372.4); short protein forms D169N.
Identifiers: ClinVar variation 1963345 (VCV001963345.3), dbSNP rs753049427, ClinGen allele CA6221125.

ClinVar aggregate classification (germline): Uncertain significance. Review status: criteria provided, multiple submitters, no conflicts (2 of 4 stars). 2 submissions from 2 submitters: Uncertain significance (2). Last evaluated 2025-07-08.

Conditions:
Inborn genetic diseases. Identifiers: MedGen C0950123, MeSH D030342.

Allele frequency attached by ClinVar (database versions not stated): gnomAD exomes below 0.00001; TOPMed below 0.00001; ExAC 0.00001.
gnomAD v4.1: 3 of 1,614,066 alleles (0.00019%); highest among the groups gnomAD compares: Non-Finnish European, 0.00025%; no homozygotes.

Submissions (2):

Ambry Genetics
Classification: Uncertain significance for Inborn genetic diseases. Last evaluated: 2025-07-08. Review status: criteria provided, single submitter. Criteria: Ambry Variant Classification Scheme 2023. Collection method: clinical testing. Allele origin: germline.

Labcorp Genetics (formerly Invitae), Labcorp
Classification: Uncertain significance. Last evaluated: 2021-12-11. Review status: criteria provided, single submitter. Criteria: Invitae Variant Classification Sherloc (09022015). Collection method: clinical testing. Allele origin: germline.
Comment: This sequence change replaces aspartic acid, which is acidic and polar, with asparagine, which is neutral and polar, at codon 169 of the TYR protein (p.Asp169Asn). This variant is present in population databases (rs753049427, gnomAD 0.0009%). This variant has not been reported in the literature in individuals affected with TYR-related conditions. Advanced modeling of protein sequence and biophysical properties (such as structural, functional, and spatial information, amino acid conservation, physicochemical variation, residue mobility, and thermodynamic stability) performed at Invitae indicates that this missense variant is not expected to disrupt TYR protein function. In summary, the available evidence is currently insufficient to determine the role of this variant in disease. Therefore, it has been classified as a Variant of Uncertain Significance.